The following is an entry in ClinVar:

ClinVar aggregate classification (germline): Uncertain significance (1 of 4 stars; one submission).

Conditions:
Peroxisome biogenesis disorder, complementation group K (CGK). Identifiers: MedGen C1866257, MONDO:0800365.

Allele frequency attached by ClinVar (database versions not stated): gnomAD exomes 0.00001 and 0.00002; ExAC 0.00003; TOPMed 0.00003; gnomAD 0.00004 and 0.00005; ESP Exome Variant Server 0.00008.
gnomAD v4.1: 22 of 1,613,622 alleles (0.0014%); highest among the groups gnomAD compares: African/African-American, 0.0067%; no homozygotes.

Submission:

Labcorp Genetics (formerly Invitae), Labcorp
Classification: Uncertain significance for Peroxisome biogenesis disorder, complementation group K. Last evaluated: 2022-06-13. Review status: criteria provided, single submitter. Criteria: Invitae Variant Classification Sherloc (09022015). Collection method: clinical testing. Allele origin: germline.
Comment: This sequence change replaces glycine, which is neutral and non-polar, with serine, which is neutral and polar, at codon 138 of the PEX14 protein (p.Gly138Ser). This variant is present in population databases (rs376462571, gnomAD 0.008%). This variant has not been reported in the literature in individuals affected with PEX14-related conditions. ClinVar contains an entry for this variant (Variation ID: 953377). Algorithms developed to predict the effect of missense changes on protein structure and function are either unavailable or do not agree on the potential impact of this missense change (SIFT: "Tolerated"; PolyPhen-2: "Possibly Damaging"; Align-GVGD: "Class C0"). Algorithms developed to predict the effect of sequence changes on RNA splicing suggest that this variant may create or strengthen a splice site. In summary, the available evidence is currently insufficient to determine the role of this variant in disease. Therefore, it has been classified as a Variant of Uncertain Significance.

NM_004565.3(PEX14):c.412G>A (p.Gly138Ser)

Gene: PEX14 (peroxisomal biogenesis factor 14; plus strand). Cytogenetic location: 1p36.22.
Variant type: single nucleotide variant.
Coding change: c.412G>A on transcript NM_004565.3 (MANE Select); coding-DNA position 412, G replaced by A.
Protein change: p.Gly138Ser; replaces glycine 138 with serine.
Molecular consequence: missense variant.
Genome position (GRCh38, 1-based): chr1:10,623,046, G>A. VCF-style: chr1-10623046-G-A. GRCh37 (hg19) VCF-style: chr1-10683103-G-A.
Other names: short protein forms G138S.
Identifiers: ClinVar variation 953377 (VCV000953377.7), dbSNP rs376462571, ClinGen allele CA583844.